The following is an entry in ClinVar:

NM_001399.5(EDA):c.924+3G>C

Gene: EDA (ectodysplasin A; plus strand). Cytogenetic location: Xq13.1.
Variant type: single nucleotide variant.
Coding change: c.924+3G>C on transcript NM_001399.5 (MANE Select); 3 bases into the intron after coding-DNA position 924, G replaced by C.
Molecular consequence: intron variant.
Genome position (GRCh38, 1-based): chrX:70,033,531, G>C. VCF-style: chrX-70033531-G-C. GRCh37 (hg19) VCF-style: chrX-69253381-G-C.
Other names: c.918+9G>C (NM_001005609.2); c.882+45G>C (NM_001440762.1); c.915+3G>C (NM_001440761.1); c.909+9G>C (NM_001005612.3).
Identifiers: ClinVar variation 4292593 (VCV004292593.1).

ClinVar aggregate classification (germline): Uncertain significance (1 of 4 stars; one submission).

Conditions:
Hypohidrotic X-linked ectodermal dysplasia (XHED). Also called: Anhidrotic ectodermal dysplasia X-linked; Christ Siemens Touraine syndrome; ECTODERMAL DYSPLASIA 1, HYPOHIDROTIC, X-LINKED; ECTODERMAL DYSPLASIA 1, HYPOHIDROTIC/HAIR/TOOTH TYPE, X-LINKED; ECTODERMAL DYSPLASIA, HYPOHIDROTIC, 1; CST SYNDROME. Identifiers: Orphanet 181, Orphanet 238468, MedGen C0162359, MONDO:0010585, OMIM 305100.

Submission:

3billion
Classification: Uncertain significance for Hypohidrotic X-linked ectodermal dysplasia. Last evaluated: 2024-11-13. Review status: criteria provided, single submitter. Criteria: ACMG Guidelines, 2015. Collection method: clinical testing. Allele origin: germline. Affected: yes.
Comment: The variant is not observed in the gnomAD v4.1.0 dataset. Predicted Consequence/Location: Intron variant In silico tools predict the variant to alter splicing and produce an abnormal transcript [SpliceAI: 0.75 (>=0.2, moderate evidence for spliceogenicity)]. Therefore, this variant is classified as VUS according to the recommendation of ACMG/AMP guideline.